The following is an entry in ClinVar:

NM_006031.6(PCNT):c.4442T>C (p.Met1481Thr)

Gene: PCNT (pericentrin; plus strand). Cytogenetic location: 21q22.3.
Variant type: single nucleotide variant.
Coding change: c.4442T>C on transcript NM_006031.6 (MANE Select); coding-DNA position 4442, T replaced by C.
Protein change: p.Met1481Thr; replaces methionine 1481 with threonine.
Molecular consequence: missense variant.
Genome position (GRCh38, 1-based): chr21:46,397,490, T>C. VCF-style: chr21-46397490-T-C. GRCh37 (hg19) VCF-style: chr21-47817404-T-C.
Other names: c.4088T>C, p.Met1363Thr (NM_001315529.2); short protein forms M1363T, M1481T.
Identifiers: ClinVar variation 1314084 (VCV001314084.7), dbSNP rs376604964, ClinGen allele CA10079627.

ClinVar aggregate classification (germline): Uncertain significance. Review status: criteria provided, multiple submitters, no conflicts (2 of 4 stars). 3 submissions from 3 submitters: Uncertain significance (3). Last evaluated 2026-04-13.

Conditions:
PCNT-related disorder. Also called: PCNT-related condition.
Inborn genetic diseases. Identifiers: MedGen C0950123, MeSH D030342.

Allele frequency attached by ClinVar (database versions not stated): gnomAD exomes 0.00004 and 0.00018; ExAC 0.00006; gnomAD 0.00009; TOPMed 0.00010; ESP Exome Variant Server 0.00015.

Submissions (3):

PreventionGenetics, part of Exact Sciences
Classification: Uncertain significance for PCNT-related condition. Last evaluated: 2026-04-13. Review status: criteria provided, single submitter. Criteria: ACMG Guidelines, 2015. Collection method: clinical testing. Allele origin: germline.
Comment: The PCNT c.4442T>C variant is predicted to result in the amino acid substitution p.Met1481Thr. To our knowledge, this variant has not been reported in the literature. This variant is reported in 0.012% of alleles in individuals of African descent in gnomAD. At this time, the clinical significance of this variant is uncertain due to the absence of conclusive functional and genetic evidence.

Ambry Genetics
Classification: Uncertain significance for Inborn genetic diseases. Last evaluated: 2025-08-12. Review status: criteria provided, single submitter. Criteria: Ambry Variant Classification Scheme 2023. Collection method: clinical testing. Allele origin: germline.

GeneDx
Classification: Uncertain significance. Last evaluated: 2021-02-03. Review status: criteria provided, single submitter. Criteria: GeneDx Variant Classification Process June 2021. Collection method: clinical testing. Allele origin: germline. Affected: yes.
Comment: Not observed at a significant frequency in large population cohorts (Lek et al., 2016); In silico analysis supports that this missense variant has a deleterious effect on protein structure/function; Missense variant in a gene in which most reported pathogenic variants are truncating/loss-of-function; Has not been previously published as pathogenic or benign to our knowledge